The following is an entry in ClinVar:

ClinVar aggregate classification (germline): Pathogenic. Review status: criteria provided, single submitter (1 of 4 stars). 2 submissions from 2 submitters: Pathogenic (1). 1 of the submissions does not count toward it. Last evaluated 2024-08-28.

Conditions:
Pendred syndrome (PDS). Also called: DEAFNESS WITH GOITER; GOITER-DEAFNESS SYNDROME; HYPOTHYROIDISM, CONGENITAL, DUE TO DYSHORMONOGENESIS, 2B; THYROID DYSHORMONOGENESIS 2B; THYROID HORMONOGENESIS, GENETIC DEFECT IN, 2B; Pendred's syndrome. Identifiers: Orphanet 705, MedGen C0271829, MONDO:0010134, OMIM 274600.

Submissions (2):

Labcorp Genetics (formerly Invitae), Labcorp
Classification: Pathogenic. Last evaluated: 2024-08-28. Review status: criteria provided, single submitter. Criteria: Invitae Variant Classification Sherloc (09022015). Collection method: clinical testing. Allele origin: germline.
Comment: This sequence change creates a premature translational stop signal (p.Gln413Argfs*19) in the SLC26A4 gene. It is expected to result in an absent or disrupted protein product. Loss-of-function variants in SLC26A4 are known to be pathogenic (PMID: 16283880, 25394566, 26252218, 26445815). This variant is not present in population databases (gnomAD no frequency). This premature translational stop signal has been observed in individual(s) with Pendred syndrome (PMID: 18285825). ClinVar contains an entry for this variant (Variation ID: 370255). For these reasons, this variant has been classified as Pathogenic.

Counsyl
Classification: Likely pathogenic for Pendred syndrome. Last evaluated: 2015-12-28. Review status: no assertion criteria provided. Collection method: clinical testing. Allele origin: unknown. Not counted in ClinVar's aggregate classification.

Literature cited by the submitters: PubMed 16283880 (cited by Labcorp Genetics (formerly Invitae), Labcorp); PubMed 25394566 (cited by Labcorp Genetics (formerly Invitae), Labcorp); PubMed 26252218 (cited by Labcorp Genetics (formerly Invitae), Labcorp); PubMed 26445815 (cited by Labcorp Genetics (formerly Invitae), Labcorp); PubMed 18285825 (cited by Labcorp Genetics (formerly Invitae), Labcorp and Counsyl).

NM_000441.2(SLC26A4):c.1238del (p.Gln413fs)

Gene: SLC26A4 (solute carrier family 26 member 4; plus strand). Cytogenetic location: 7q22.3.
Variant type: Deletion.
Coding change: c.1238del on transcript NM_000441.2 (MANE Select); coding-DNA position 1238, one base deleted (A; older notation c.1238delA).
Protein change: p.Gln413fs; shifts the reading frame from glutamine 413.
Molecular consequence: frameshift variant.
Genome position (GRCh38, 1-based): chr7:107,690,212, A deleted. VCF-style (leftmost placement, unchanged base first): chr7-107690211-CA-C. GRCh37 (hg19) VCF-style: chr7-107330656-CA-C.
Other names: short protein forms Q413fs.
Identifiers: ClinVar variation 370255 (VCV000370255.5), dbSNP rs1057516354, ClinGen allele CA16041108.